The following is an entry in ClinVar:

ClinVar aggregate classification (germline): Uncertain significance (1 of 4 stars; one submission).

Submission:

GeneDx
Classification: Uncertain significance. Last evaluated: 2024-03-04. Review status: criteria provided, single submitter. Criteria: GeneDx Variant Classification Process June 2021. Collection method: clinical testing. Allele origin: germline. Affected: yes.
Comment: Not observed at significant frequency in large population cohorts (gnomAD); In silico analysis supports that this missense variant does not alter protein structure/function; Has not been previously published as pathogenic or benign to our knowledge

NM_004006.3(DMD):c.2686G>A (p.Ala896Thr)

Gene: DMD (dystrophin; minus strand). Cytogenetic location: Xp21.1.
Variant type: single nucleotide variant.
Coding change: c.2686G>A on transcript NM_004006.3 (MANE Select); coding-DNA position 2686, G replaced by A.
Protein change: p.Ala896Thr; replaces alanine 896 with threonine.
Molecular consequence: missense variant.
Genome position (GRCh38, 1-based): chrX:32,485,036, C>T on the plus strand (G>A on the coding strand, the complement: DMD is on the minus strand). VCF-style: chrX-32485036-C-T. GRCh37 (hg19) VCF-style: chrX-32503153-C-T.
Other names: c.2662G>A, p.Ala888Thr (NM_000109.4); c.2674G>A, p.Ala892Thr (NM_004009.3); c.2317G>A, p.Ala773Thr (NM_004010.3); short protein forms A773T, A888T, A892T, A896T.
Identifiers: ClinVar variation 3369926 (VCV003369926.1).
Genomic context (GRCh38, chrX:32,485,036, plus strand): 5'-TTGTAAAGGCCACAAAGTCTGCATCCAGGAACATGGGTCCTTGTCCTTTCTCTTTCAGGG[C>T]TATGCTTTGAATTTTTAATCGTTCAATTTGAGGTTGAAGATCTGATAGCCGGTTGACTTC-3'
Protein context (NP_003997.2, residues 886-906): QIERLKIQSI[Ala896Thr]LKEKGQGPMF